The following is an entry in ClinVar:

NM_178857.6(RP1L1):c.344G>A (p.Gly115Glu)

Gene: RP1L1 (RP1 like 1). Cytogenetic location: 8p23.1.
Variant type: single nucleotide variant.
Coding change: c.344G>A on transcript NM_178857.6 (MANE Select); coding-DNA position 344, G replaced by A.
Protein change: p.Gly115Glu; replaces glycine 115 with glutamic acid.
Molecular consequence: missense variant.
Genome position (GRCh38, 1-based): chr8:10,622,858, C>T on the plus strand (G>A on the coding strand, the complement: RP1L1 is on the minus strand). VCF-style: chr8-10622858-C-T. GRCh37 (hg19) VCF-style: chr8-10480368-C-T.
Other names: short protein forms G115E.
Identifiers: ClinVar variation 2999698 (VCV002999698.3), dbSNP rs1318863034, ClinGen allele CA370300450.

ClinVar aggregate classification (germline): Uncertain significance (1 of 4 stars; one submission).

Allele frequency attached by ClinVar (database versions not stated): TOPMed below 0.00001; gnomAD 0.00001.
gnomAD v4.1: 4 of 1,612,996 alleles (0.00025%); highest among the groups gnomAD compares: Non-Finnish European, 0.00034%; no homozygotes.

Submission:

Labcorp Genetics (formerly Invitae), Labcorp
Classification: Uncertain significance. Last evaluated: 2023-02-20. Review status: criteria provided, single submitter. Criteria: Invitae Variant Classification Sherloc (09022015). Collection method: clinical testing. Allele origin: germline.
Comment: This sequence change replaces glycine, which is neutral and non-polar, with glutamic acid, which is acidic and polar, at codon 115 of the RP1L1 protein (p.Gly115Glu). This variant is present in population databases (no rsID available, gnomAD 0.002%). This variant has not been reported in the literature in individuals affected with RP1L1-related conditions. Advanced modeling of protein sequence and biophysical properties (such as structural, functional, and spatial information, amino acid conservation, physicochemical variation, residue mobility, and thermodynamic stability) performed at Invitae indicates that this missense variant is not expected to disrupt RP1L1 protein function. In summary, the available evidence is currently insufficient to determine the role of this variant in disease. Therefore, it has been classified as a Variant of Uncertain Significance.